The following is an entry in ClinVar:

ClinVar aggregate classification (germline): Uncertain significance (1 of 4 stars; one submission).

Submission:

GeneDx
Classification: Uncertain significance. Last evaluated: 2022-03-11. Review status: criteria provided, single submitter. Criteria: GeneDx Variant Classification Process June 2021. Collection method: clinical testing. Allele origin: germline. Affected: yes.
Comment: Not observed at significant frequency in large population cohorts (gnomAD); In silico analysis supports that this missense variant has a deleterious effect on protein structure/function; Has not been previously published as pathogenic or benign to our knowledge

NM_006015.6(ARID1A):c.5398A>T (p.Asn1800Tyr)

Gene: ARID1A (AT-rich interaction domain 1A; plus strand). Cytogenetic location: 1p36.11.
Variant type: single nucleotide variant.
Coding change: c.5398A>T on transcript NM_006015.6 (MANE Select); coding-DNA position 5398, A replaced by T.
Protein change: p.Asn1800Tyr; replaces asparagine 1800 with tyrosine.
Molecular consequence: missense variant.
Genome position (GRCh38, 1-based): chr1:26,779,296, A>T. VCF-style: chr1-26779296-A-T. GRCh37 (hg19) VCF-style: chr1-27105787-A-T.
Other names: c.4747A>T, p.Asn1583Tyr (NM_139135.4); short protein forms N1583Y, N1800Y.
Identifiers: ClinVar variation 1704667 (VCV001704667.2), dbSNP rs551963483, ClinGen allele CA707684.